The following is an entry in ClinVar:

ClinVar aggregate classification (germline): Benign. Review status: criteria provided, multiple submitters, no conflicts (2 of 4 stars). 3 submissions from 3 submitters: Benign (3). Last evaluated 2024-11-27.

Allele frequency attached by ClinVar (database versions not stated): 1000 Genomes Project 0.01518; 1000 Genomes Project 30x 0.01577; gnomAD 0.03466 and 0.03550; TOPMed 0.03514; gnomAD exomes 0.03547; ExAC 0.03573; ESP Exome Variant Server 0.03631.
gnomAD v4.1: 77,458 of 1,614,100 alleles (4.8%); highest among the groups gnomAD compares: Non-Finnish European, 5.7%; 2,172 homozygotes.

Submissions (3):

Blueprint Genetics
Classification: Benign. Last evaluated: 2024-11-27. Review status: criteria provided, single submitter. Criteria: ACMG Guidelines, 2015. Collection method: clinical testing. Allele origin: germline.

Laboratory for Molecular Medicine, Mass General Brigham Personalized Medicine
Classification: Benign. Last evaluated: 2013-02-21. Review status: criteria provided, single submitter. Criteria: LMM Criteria. Collection method: clinical testing. Allele origin: germline. Observed: 8 variant alleles.
Comment: Glu6Lys in exon 1I of BDNF: This variant is not expected to have clinical signif icance because it has been identified in 4.7% (390/8232) of European American ch romosomes from a broad population by the NHLBI Exome Sequencing Project (dbSNP rs66866077).

Breakthrough Genomics
Classification: Benign. Review status: criteria provided, single submitter. Criteria: ACMG Guidelines, 2015. Collection method: not provided. Allele origin: germline. Inheritance: Unknown mechanism. Affected: yes.

NM_001709.5(BDNF):c.-22+774G>A

Gene: BDNF (brain derived neurotrophic factor; minus strand). Cytogenetic location: 11p14.1.
Variant type: single nucleotide variant.
Coding change: c.-22+774G>A on transcript NM_001709.5 (MANE Select); 774 bases into the intron after 22 bases upstream of the start codon, G replaced by A.
Molecular consequence: intron variant. On other transcripts: missense variant (1).
Genome position (GRCh38, 1-based): chr11:27,699,390, C>T on the plus strand (G>A on the coding strand, the complement: BDNF is on the minus strand). VCF-style: chr11-27699390-C-T. GRCh37 (hg19) VCF-style: chr11-27720937-C-T.
Other names: c.16G>A, p.Glu6Lys (NM_170734.4); c.3+22022G>A (NM_170731.5); c.-22+21254G>A (NM_001143805.1); c.-22+21039G>A (NM_001143806.1); c.-22+20956G>A (NM_170732.4); c.-22+20121G>A (NM_001143807.2); c.-22+1907G>A (NM_170733.4); c.-22+1591G>A (NM_001143808.2); and 6 more; short protein forms E6K.
Identifiers: ClinVar variation 162789 (VCV000162789.6), dbSNP rs66866077, ClinGen allele CA175322.